The following is an entry in ClinVar:

ClinVar aggregate classification (germline): Uncertain significance (1 of 4 stars; one submission).

gnomAD v4.1: 1 of 1,614,110 alleles (0.000062%); highest among the groups gnomAD compares: Non-Finnish European, 0.000085%; no homozygotes.

Submission:

Labcorp Genetics (formerly Invitae), Labcorp
Classification: Uncertain significance. Last evaluated: 2023-11-27. Review status: criteria provided, single submitter. Criteria: Invitae Variant Classification Sherloc (09022015). Collection method: clinical testing. Allele origin: germline.
Comment: This sequence change replaces tryptophan, which is neutral and slightly polar, with cysteine, which is neutral and slightly polar, at codon 193 of the DMP1 protein (p.Trp193Cys). This variant is not present in population databases (gnomAD no frequency). This variant has not been reported in the literature in individuals affected with DMP1-related conditions. ClinVar contains an entry for this variant (Variation ID: 1436940). Advanced modeling of protein sequence and biophysical properties (such as structural, functional, and spatial information, amino acid conservation, physicochemical variation, residue mobility, and thermodynamic stability) performed at Invitae indicates that this missense variant is expected to disrupt DMP1 protein function with a positive predictive value of 80%. In summary, the available evidence is currently insufficient to determine the role of this variant in disease. Therefore, it has been classified as a Variant of Uncertain Significance.

NM_004407.4(DMP1):c.579G>T (p.Trp193Cys)

Genes: DMP1 (dentin matrix acidic phosphoprotein 1; plus strand), DMP1-AS1 (DMP1 and DSPP antisense RNA 1; minus strand). Cytogenetic location: 4q22.1.
Variant type: single nucleotide variant.
Coding change: c.579G>T on transcript NM_004407.4 (MANE Select); coding-DNA position 579, G replaced by T.
Protein change: p.Trp193Cys; replaces tryptophan 193 with cysteine.
Molecular consequence: missense variant.
Genome position (GRCh38, 1-based): chr4:87,662,357, G>T. VCF-style: chr4-87662357-G-T. GRCh37 (hg19) VCF-style: chr4-88583509-G-T.
Other names: c.531G>T, p.Trp177Cys (NM_001079911.3); short protein forms W177C, W193C.
Identifiers: ClinVar variation 1436940 (VCV001436940.6), dbSNP rs1299785096, ClinGen allele CA357699277.